The following is an entry in ClinVar:

ClinVar aggregate classification (germline): Uncertain significance (1 of 4 stars; one submission).

Submission:

Labcorp Genetics (formerly Invitae), Labcorp
Classification: Uncertain significance. Last evaluated: 2025-10-18. Review status: criteria provided, single submitter. Criteria: Invitae Variant Classification Sherloc (09022015). Collection method: clinical testing. Allele origin: germline.
Comment: This sequence change replaces valine, which is neutral and non-polar, with alanine, which is neutral and non-polar, at codon 457 of the IFT88 protein (p.Val457Ala). This variant is not present in population databases (gnomAD no frequency). This variant has not been reported in the literature in individuals affected with IFT88-related conditions. An algorithm developed to predict the effect of missense changes on protein structure and function (PolyPhen-2) suggests that this variant is likely to be tolerated. In summary, the available evidence is currently insufficient to determine the role of this variant in disease. Therefore, it has been classified as a Variant of Uncertain Significance.

NM_006531.5(IFT88):c.1343T>C (p.Val448Ala)

Gene: IFT88 (intraflagellar transport 88; plus strand). Cytogenetic location: 13q12.11.
Variant type: single nucleotide variant.
Coding change: c.1343T>C on transcript NM_006531.5 (MANE Select); coding-DNA position 1343, T replaced by C.
Protein change: p.Val448Ala; replaces valine 448 with alanine.
Molecular consequence: missense variant. On other transcripts: non-coding transcript variant (5).
Genome position (GRCh38, 1-based): chr13:20,631,059, T>C. VCF-style: chr13-20631059-T-C. GRCh37 (hg19) VCF-style: chr13-21205198-T-C.
Other names: c.1286T>C, p.Val429Ala (NM_001318491.2, NM_001353575.2); c.1370T>C, p.Val457Ala (NM_001318493.2, NM_001353565.2, NM_001353566.2 and 2 more transcripts); c.1343T>C, p.Val448Ala (NM_001353568.2, NM_001353572.2); c.1268T>C, p.Val423Ala (NM_001353569.2, NM_001353570.2, NM_001353576.2 and 1 more transcripts); c.1241T>C, p.Val414Ala (NM_001353571.2, NM_001353578.2); c.1199T>C, p.Val400Ala (NM_001353573.2); c.1184T>C, p.Val395Ala (NM_001353574.2); c.710T>C, p.Val237Ala (NM_001353579.2); short protein forms V237A, V400A, V429A, V448A, V423A, V457A, V395A, V414A.
Identifiers: ClinVar variation 4780798 (VCV004780798.1).
Genomic context (GRCh38, chr13:20,631,059, plus strand): 5'-AGATATTCCATTTCTAGGCTGTAGAGATCTTAAAAGTGTTGGAAAAAAAGGACAGTAGAG[T>C]GAAAAGTGCAGCTGCAACCAATCTCTCAGCCCTGTATTATATGGTAAGTTTTTTTACTAC-3'
Protein context (NP_006522.2, residues 438-458): LKVLEKKDSR[Val448Ala]KSAAATNLSA